The following is an entry in ClinVar:

ClinVar aggregate classification (germline): Uncertain significance (1 of 4 stars; one submission).

gnomAD v4.1: 48 of 1,500,814 alleles (0.0032%); highest among the groups gnomAD compares: Non-Finnish European, 0.004%; no homozygotes.

Submission:

Ambry Genetics
Classification: Uncertain significance. Last evaluated: 2024-11-21. Review status: criteria provided, single submitter. Criteria: Ambry Variant Classification Scheme 2023. Collection method: clinical testing. Allele origin: germline.
Comment: The p.S1613L variant (also known as c.4838C>T), located in coding exon 19 of the WNK2 gene, results from a C to T substitution at nucleotide position 4838. The serine at codon 1613 is replaced by leucine, an amino acid with dissimilar properties. This amino acid position is conserved. In addition, this alteration is predicted to be tolerated by in silico analysis. Based on the available evidence, the clinical significance of this variant remains unclear.

NM_006648.4(WNK2):c.4838C>T (p.Ser1613Leu)

Gene: WNK2 (WNK lysine deficient protein kinase 2; plus strand). Cytogenetic location: 9q22.31.
Variant type: single nucleotide variant.
Coding change: c.4838C>T on transcript NM_006648.4 (MANE Select); coding-DNA position 4838, C replaced by T.
Protein change: p.Ser1613Leu; replaces serine 1613 with leucine.
Molecular consequence: missense variant.
Genome position (GRCh38, 1-based): chr9:93,289,592, C>T. VCF-style: chr9-93289592-C-T. GRCh37 (hg19) VCF-style: chr9-96051874-C-T.
Other names: c.4949C>T, p.Ser1650Leu (NM_001282394.3); short protein forms S1650L, S1613L.
Identifiers: ClinVar variation 3333160 (VCV003333160.2).